The following is an entry in ClinVar:

NM_014921.5(ADGRL1):c.1172T>G (p.Phe391Cys)

Genes: ADGRL1 (adhesion G protein-coupled receptor L1; minus strand), ADGRL1-AS1 (ADGRL1 antisense RNA 1; plus strand). Cytogenetic location: 19p13.12.
Variant type: single nucleotide variant.
Coding change: c.1172T>G on transcript NM_014921.5 (MANE Select); coding-DNA position 1172, T replaced by G.
Protein change: p.Phe391Cys; replaces phenylalanine 391 with cysteine.
Molecular consequence: missense variant.
Genome position (GRCh38, 1-based): chr19:14,162,629, A>C on the plus strand (T>G on the coding strand, the complement: ADGRL1 is on the minus strand). VCF-style: chr19-14162629-A-C. GRCh37 (hg19) VCF-style: chr19-14273441-A-C.
Other names: c.1187T>G, p.Phe396Cys (NM_001008701.3); short protein forms F391C, F396C.
Identifiers: ClinVar variation 5005947 (VCV005005947.2).

ClinVar aggregate classification (germline): Uncertain significance (1 of 4 stars; one submission).

Conditions:
Developmental delay, behavioral abnormalities, and neuropsychiatric disorders (DEDBANP). Identifiers: MedGen C5774224, MONDO:0859292, OMIM 620065.

Submission:

Juno Genomics, Hangzhou Juno Genomics, Inc
Classification: Uncertain significance for Developmental delay, behavioral abnormalities, and neuropsychiatric disorders. Review status: criteria provided, single submitter. Criteria: ACMG Guidelines, 2015. Collection method: clinical testing. Allele origin: germline.
Comment: Absent from controls (or at extremely low frequency if recessive) in Genome Aggregation Database.;Missense variant in a gene that has a low rate of benign missense variation.;Multiple lines of computational evidence support a deleterious effect on the gene or gene product.